The following is an entry in ClinVar:

NM_000306.4(POU1F1):c.258G>A (p.Leu86=)

Gene: POU1F1 (POU class 1 homeobox 1; minus strand). Cytogenetic location: 3p11.2.
Variant type: single nucleotide variant.
Coding change: c.258G>A on transcript NM_000306.4 (MANE Select); coding-DNA position 258, G replaced by A.
Protein change: p.Leu86=; no amino-acid change (leucine 86 retained).
Molecular consequence: synonymous variant.
Genome position (GRCh38, 1-based): chr3:87,264,469, C>T on the plus strand (G>A on the coding strand, the complement: POU1F1 is on the minus strand). VCF-style: chr3-87264469-C-T. GRCh37 (hg19) VCF-style: chr3-87313619-C-T.
Other names: c.336G>A, p.Leu112= (NM_001122757.3).
Identifiers: ClinVar variation 3911925 (VCV003911925.2).

ClinVar aggregate classification (germline): Likely benign (1 of 4 stars; one submission).

gnomAD v4.1: 6 of 1,612,934 alleles (0.00037%); highest among the groups gnomAD compares: African/African-American, 0.0067%; no homozygotes.

Submission:

Women's Health and Genetics/Laboratory Corporation of America, LabCorp
Classification: Likely benign. Last evaluated: 2025-07-03. Review status: criteria provided, single submitter. Criteria: LabCorp Variant Classification Summary - May 2015. Collection method: clinical testing. Allele origin: germline.
Comment: Variant summary: POU1F1 c.258G>A results in a synonymous change. Consensus agreement among computation tools predict no significant impact on normal splicing. However, these predictions have yet to be confirmed by functional studies. The variant allele was found at a frequency of 2e-05 in 251170 control chromosomes. The available data on variant occurrences in the general population are insufficient to allow any conclusion about variant significance. To our knowledge, no occurrence of c.258G>A in individuals affected with &phenotype& and no experimental evidence demonstrating its impact on protein function have been reported. No submitters have cited clinical-significance assessments for this variant to ClinVar. Based on the evidence outlined above, the variant was classified as likely benign.